The following is an entry in ClinVar:

ClinVar aggregate classification (germline): Conflicting classifications of pathogenicity. Review status: criteria provided, conflicting classifications (1 of 4 stars). 7 submissions from 7 submitters: Uncertain significance (5); Benign (1). 1 of the submissions does not count toward it. Last evaluated 2026-03-17.

Conditions:
ZNF469-related disorder. Also called: ZNF469-related condition.
Cardiovascular phenotype. Identifiers: MedGen CN230736.
Keratoconus 1 (KTCN1). Identifiers: MedGen C1835677, MONDO:0007851, OMIM 148300.
Brittle cornea syndrome 1 (BCS1). Also called: EDS6B; FRAGILITAS OCULI WITH JOINT HYPEREXTENSIBILITY; Corneal fragility keratoglobus, blue sclerae AND joint hypermobility; DYSGENESIS MESODERMALIS CORNEAE ET SCLERAE; CORNEAL FRAGILITY, KERATOGLOBUS, BLUE SCLERAE, JOINT HYPEREXTENSIBILITY. Identifiers: Orphanet 90354, MedGen C0268344, MONDO:0024543, OMIM 229200.

Allele frequency attached by ClinVar (database versions not stated): gnomAD exomes 0.00004 and 0.00010; ExAC 0.00014; gnomAD 0.00034 and 0.00035; TOPMed 0.00037; 1000 Genomes Project 0.00160; 1000 Genomes Project 30x 0.00187.
gnomAD v4.1: 114 of 1,546,772 alleles (0.0074%); highest among the groups gnomAD compares: African/African-American, 0.13%; no homozygotes.

Submissions (7):

Women's Health and Genetics/Laboratory Corporation of America, LabCorp
Classification: Uncertain significance. Last evaluated: 2026-03-17. Review status: criteria provided, single submitter. Criteria: LabCorp Variant Classification Summary - May 2015. Collection method: clinical testing. Allele origin: germline.
Comment: Variant summary: ZNF469 c.8996G>T (p.Gly2999Val) results in a non-conservative amino acid change in the encoded protein sequence. Algorithms developed to predict the effect of missense changes on protein structure and function are either unavailable or do not agree on the potential impact of this missense change. The variant allele was found at a frequency of 9.6e-05 in 146046 control chromosomes (gnomAD). This frequency is not significantly higher than estimated for disease-causing variants in ZNF469, allowing no conclusion about variant significance. c.8996G>T has been reported in the literature in an individual affected with keratoconus without strong evidence of causality (Lechner_2014). This report does not provide unequivocal conclusions about association of the variant with Brittle cornea syndrome 1. To our knowledge, no experimental evidence demonstrating an impact on protein function has been reported. The following publication has been ascertained in the context of this evaluation (PMID: 24895405). ClinVar contains an entry for this variant (Variation ID: 126932). Based on the evidence outlined above, the variant was classified as uncertain significance.

PreventionGenetics, part of Exact Sciences
Classification: Uncertain significance for ZNF469-related condition. Last evaluated: 2026-01-05. Review status: criteria provided, single submitter. Criteria: ACMG Guidelines, 2015. Collection method: clinical testing. Allele origin: germline.
Comment: The ZNF469 c.8912G>T variant is predicted to result in the amino acid substitution p.Gly2971Val. This variant has been observed in an keratoconus cohort and classified as pathogenic, however information about presence of absence of second variant was not provided (Table S2, Lechner et al. 2014. PubMed ID: 24895405). This variant is reported in 0.16% of alleles in individuals of African descent in gnomAD. At this time, the clinical significance of this variant is uncertain due to the absence of conclusive functional and genetic evidence.

Mayo Clinic Laboratories, Mayo Clinic
Classification: Uncertain significance. Last evaluated: 2025-01-20. Review status: criteria provided, single submitter. Criteria: ACMG Guidelines, 2015. Collection method: clinical testing. Allele origin: germline. Observed: 2 variant alleles.
Comment: BS1

GeneDx
Classification: Uncertain significance. Last evaluated: 2024-11-11. Review status: criteria provided, single submitter. Criteria: GeneDx Variant Classification Process June 2021. Collection method: clinical testing. Allele origin: germline. Affected: yes.
Comment: In silico analysis supports that this missense variant has a deleterious effect on protein structure/function; This variant is associated with the following publications: (PMID: 24895405)

New York Genome Center
Classification: Uncertain significance for Brittle cornea syndrome 1. Last evaluated: 2021-02-12. Review status: criteria provided, single submitter. Criteria: NYGC Assertion Criteria 2020. Collection method: clinical testing. Allele origin: inherited. Observed: 1 compound heterozygote. Study: CSER-NYCKidSeq.
Comment: The inherited c.8996G>T (p.Gly2999Val) variant identified in the ZNF469 gene substitutes a moderately conserved Glycine for Valine at amino acid 2999/3954 (exon 3/3). This variant is found with low frequency in gnomAD(v3.1) (53 heterozygotes, 0 homozygotes; allele frequency: 3.48e-4) suggesting it is not a common benign variant in the populations represented in that database. In silico algorithms predict this variant to be Damaging (SIFT; Score:0.017) and Pathogenic (REVEL; score: 0.619) to the function of the canonical transcript. This variant is reported as Pathogenic in ClinVar (VarID:126932), although the evidence used for this classification was not available for review. To our current knowledge the c.8996G>T (p.Gly2999Val) variant has not been reported in affected individuals in the literature. The p.Gly2999 residue is not within a mapped domain of ZNF469 (UniProtKB:Q96JG9). Given the lack of compelling evidence for its pathogenicity, the inherited c.8996G>T(p.Gly2999Val) variant identified in the ZNF469 gene is reported as a Variant of Uncertain Significance.

Ambry Genetics
Classification: Benign for Cardiovascular phenotype. Last evaluated: 2020-12-09. Review status: criteria provided, single submitter. Criteria: Ambry Variant Classification Scheme 2023. Collection method: clinical testing. Allele origin: germline.

Willoughby Group, Queen's University Belfast
Classification: Pathogenic for Keratoconus 1. Review status: no assertion criteria provided. Collection method: not provided. Allele origin: germline. Not counted in ClinVar's aggregate classification.
ClinVar note: Converted during submission from pathogenic to Pathogenic.

Literature cited by the submitters: PubMed 24895405 (cited by 3 submitters).

NM_001367624.2(ZNF469):c.8996G>T (p.Gly2999Val)

Gene: ZNF469 (zinc finger protein 469; plus strand). Cytogenetic location: 16q24.2.
Variant type: single nucleotide variant.
Coding change: c.8996G>T on transcript NM_001367624.2 (MANE Select); coding-DNA position 8996, G replaced by T.
Protein change: p.Gly2999Val; replaces glycine 2999 with valine.
Molecular consequence: missense variant.
Genome position (GRCh38, 1-based): chr16:88,436,466, G>T. VCF-style: chr16-88436466-G-T. GRCh37 (hg19) VCF-style: chr16-88502874-G-T.
Other names: NM_001127464.1:c.8912G>T; p.Gly2999Val; NM_001127464.2:c.8912G>T; short protein forms G2999V.
Identifiers: ClinVar variation 126932 (VCV000126932.11), dbSNP rs273585625, ClinGen allele CA151303.
Genomic context (GRCh38, chr16:88,436,466, plus strand): 5'-CCGAGGACGATCGGCCGGAGGCCATTCCTGAGCTGCACATGGTCCCAGCGGCTTGGCGAG[G>T]CCTGGAGATGCCGGCCCCTGCCGATGACTCCTCCTCTTCTCTCGGAGATGTGAGCCCCGA-3'
Protein context (NP_001354553.1, residues 2989-3009): ELHMVPAAWR[Gly2999Val]LEMPAPADDS